The following is an entry in ClinVar:

NM_152703.5(SAMD9L):c.2527C>T (p.Arg843Trp)

Gene: SAMD9L (sterile alpha motif domain containing 9 like; minus strand). Cytogenetic location: 7q21.2.
Variant type: single nucleotide variant.
Coding change: c.2527C>T on transcript NM_152703.5 (MANE Select); coding-DNA position 2527, C replaced by T.
Protein change: p.Arg843Trp; replaces arginine 843 with tryptophan.
Molecular consequence: missense variant.
Genome position (GRCh38, 1-based): chr7:93,133,445, G>A on the plus strand (C>T on the coding strand, the complement: SAMD9L is on the minus strand). VCF-style: chr7-93133445-G-A. GRCh37 (hg19) VCF-style: chr7-92762758-G-A.
Other names: c.2527C>T, p.Arg843Trp (NM_001303496.3, NM_001303497.3, NM_001303498.3 and 5 more transcripts); short protein forms R843W.
Identifiers: ClinVar variation 2977583 (VCV002977583.3), dbSNP rs745793169, ClinGen allele CA4343571.
Genomic context (GRCh38, chr7:93,133,445, plus strand): 5'-AAGAAAGTTGGTAATTTAGTGCAATACTGTCTGCCAATTTTGCACTTTCATCTGGATTCC[G>A]GGATCTCATGCAGTTTAAGATAATTACCAATGTTTTTTCATATCGCAAATCCTTTTCTGC-3'
Protein context (NP_689916.2, residues 833-853): LVIILNCMRS[Arg843Trp]NPDESAKLAD

ClinVar aggregate classification (germline): Uncertain significance (1 of 4 stars; one submission).

Allele frequency attached by ClinVar (database versions not stated): gnomAD 0.00001; ExAC 0.00003; gnomAD exomes 0.00001.

Submission:

Labcorp Genetics (formerly Invitae), Labcorp
Classification: Uncertain significance. Last evaluated: 2025-11-23. Review status: criteria provided, single submitter. Criteria: Invitae Variant Classification Sherloc (09022015). Collection method: clinical testing. Allele origin: germline.
Comment: This sequence change replaces arginine, which is basic and polar, with tryptophan, which is neutral and slightly polar, at codon 843 of the SAMD9L protein (p.Arg843Trp). This variant is present in population databases (rs745793169, gnomAD 0.007%). This variant has not been reported in the literature in individuals affected with SAMD9L-related conditions. ClinVar contains an entry for this variant (Variation ID: 2977583). Invitae Evidence Modeling of protein sequence and biophysical properties (such as structural, functional, and spatial information, amino acid conservation, physicochemical variation, residue mobility, and thermodynamic stability) indicates that this missense variant is expected to disrupt SAMD9L protein function with a positive predictive value of 80%. In summary, the available evidence is currently insufficient to determine the role of this variant in disease. Therefore, it has been classified as a Variant of Uncertain Significance.